The following is an entry in ClinVar:

ClinVar aggregate classification (germline): Likely benign. Review status: criteria provided, single submitter (1 of 4 stars). 2 submissions from 2 submitters: Likely benign (1). 1 of the submissions does not count toward it. Last evaluated 2018-08-15.

Conditions:
MAP1B-related disorder. Also called: MAP1B-related condition.

Allele frequency attached by ClinVar (database versions not stated): ExAC 0.00002; gnomAD exomes 0.00002 and 0.00003; ESP Exome Variant Server 0.00008; gnomAD 0.00015 and 0.00016; 1000 Genomes Project 30x 0.00016; 1000 Genomes Project 0.00020; TOPMed 0.00026.
gnomAD v4.1: 47 of 1,614,188 alleles (0.0029%); highest among the groups gnomAD compares: Admixed American, 0.06%; no homozygotes.

Submissions (2):

Labcorp Genetics (formerly Invitae), Labcorp
Classification: Likely benign. Last evaluated: 2018-08-15. Review status: criteria provided, single submitter. Criteria: Invitae Variant Classification Sherloc (09022015). Collection method: clinical testing. Allele origin: germline.

PreventionGenetics, part of Exact Sciences
Classification: Likely benign for MAP1B-related condition. Last evaluated: 2019-11-21. Review status: no assertion criteria provided. Collection method: clinical testing. Allele origin: germline. Not counted in ClinVar's aggregate classification.
Comment: This variant is classified as likely benign based on ACMG/AMP sequence variant interpretation guidelines (Richards et al. 2015 PMID: 25741868, with internal and published modifications).

NM_005909.5(MAP1B):c.4629C>T (p.Tyr1543=)

Gene: MAP1B (microtubule associated protein 1B; plus strand). Cytogenetic location: 5q13.2.
Variant type: single nucleotide variant.
Coding change: c.4629C>T on transcript NM_005909.5 (MANE Select); coding-DNA position 4629, C replaced by T.
Protein change: p.Tyr1543=; no amino-acid change (tyrosine 1543 retained).
Molecular consequence: synonymous variant.
Genome position (GRCh38, 1-based): chr5:72,197,984, C>T. VCF-style: chr5-72197984-C-T. GRCh37 (hg19) VCF-style: chr5-71493811-C-T.
Other names: c.4251C>T, p.Tyr1417= (NM_001324255.2).
Identifiers: ClinVar variation 736425 (VCV000736425.5), dbSNP rs149759022, ClinGen allele CA3299191.
Genomic context (GRCh38, chr5:72,197,984, plus strand): 5'-AGGTACTGTCTCAGACAAGTCAGCTACTCCTGTTGATGAGGGCGTAGCAGAAGACACGTA[C>T]TCTCATATGGAGGGTGTGGCCTCAGTGTCCACAGCCTCAGTGGCTACGAGCTCATTTCCA-3'
Protein context (NP_005900.2, residues 1533-1553): PVDEGVAEDT[Tyr1543=]SHMEGVASVS